The following is an entry in ClinVar:

ClinVar aggregate classification (germline): Uncertain significance (1 of 4 stars; one submission).

Submission:

GeneDx
Classification: Uncertain significance. Last evaluated: 2025-05-05. Review status: criteria provided, single submitter. Criteria: GeneDx Variant Classification Process June 2021. Collection method: clinical testing. Allele origin: germline. Affected: yes.
Comment: Not observed at significant frequency in large population cohorts (gnomAD); In silico analysis supports that this missense variant has a deleterious effect on protein structure/function; Has not been previously published as pathogenic or benign to our knowledge

NM_001079872.2(CUL4B):c.1114T>G (p.Leu372Val)

Gene: CUL4B (cullin 4B; minus strand). Cytogenetic location: Xq24.
Variant type: single nucleotide variant.
Coding change: c.1114T>G on transcript NM_001079872.2 (MANE Select); coding-DNA position 1114, T replaced by G.
Protein change: p.Leu372Val; replaces leucine 372 with valine.
Molecular consequence: missense variant.
Genome position (GRCh38, 1-based): chrX:120,544,173, A>C on the plus strand (T>G on the coding strand, the complement: CUL4B is on the minus strand). VCF-style: chrX-120544173-A-C. GRCh37 (hg19) VCF-style: chrX-119678028-A-C.
Other names: c.1129T>G, p.Leu377Val (NM_001330624.2); c.580T>G, p.Leu194Val (NM_001369145.1); c.1168T>G, p.Leu390Val (NM_003588.4); short protein forms L194V, L372V, L377V, L390V.
Identifiers: ClinVar variation 4527789 (VCV004527789.1).
Genomic context (GRCh38, chrX:120,544,173, plus strand): 5'-CCTCTCTTTCTTGCATTAATTTTTGGCCTTCAGCTGCATAGAGCCGGTTAGTTTCTTCCA[A>C]AAATCGTTGTTCAAAAGAATCTTGATAAATCTGGAGGGGGAACAAAATGAAGGAGATCAT-3'
Protein context (NP_001073341.1, residues 362-382): IYQDSFEQRF[Leu372Val]EETNRLYAAE